The following is an entry in ClinVar:

NM_000478.6(ALPL):c.661G>T (p.Gly221Cys)

Gene: ALPL (alkaline phosphatase, biomineralization associated; plus strand). Cytogenetic location: 1p36.12.
Variant type: single nucleotide variant.
Coding change: c.661G>T on transcript NM_000478.6 (MANE Select); coding-DNA position 661, G replaced by T.
Protein change: p.Gly221Cys; replaces glycine 221 with cysteine.
Molecular consequence: missense variant.
Genome position (GRCh38, 1-based): chr1:21,568,116, G>T. VCF-style: chr1-21568116-G-T. GRCh37 (hg19) VCF-style: chr1-21894609-G-T.
Other names: c.496G>T, p.Gly166Cys (NM_001127501.4); c.430G>T, p.Gly144Cys (NM_001177520.3); c.661G>T, p.Gly221Cys (NM_001369803.2, NM_001369804.2, NM_001369805.2); short protein forms G144C, G221C, G166C.
Identifiers: ClinVar variation 1035693 (VCV001035693.7), dbSNP rs769020799, ClinGen allele CA338879053.
Genomic context (GRCh38, chr1:21,568,116, plus strand): 5'-CTGGGCATCTTGGAACCCTGCAGAAGTGATGGCTCCTGTCTCTTTTAGGTGATCATGGGG[G>T]GTGGCCGGAAATACATGTACCCCAAGAATAAAACTGATGTGGAGTATGAGAGTGACGAGA-3'
Protein context (NP_000469.3, residues 211-231): NIRDIDVIMG[Gly221Cys]GRKYMYPKNK

ClinVar aggregate classification (germline): Likely pathogenic. Review status: criteria provided, multiple submitters, no conflicts (2 of 4 stars). 3 submissions from 3 submitters: Likely pathogenic (3). Last evaluated 2026-01-05.

Conditions:
Hypophosphatasia. Also called: Phosphoethanol-aminuria. Identifiers: Orphanet 436, MedGen C0020630, MeSH D007014, MONDO:0018570.

gnomAD v4.1: 2 of 1,614,084 alleles (0.00012%); highest among the groups gnomAD compares: Non-Finnish European, 0.00017%; no homozygotes.

Submissions (3):

Myriad Genetics, Inc.
Classification: Likely pathogenic for Hypophosphatasia. Last evaluated: 2026-01-05. Review status: criteria provided, single submitter. Criteria: Myriad Autosomal Dominant, Autosomal Recessive and X-Linked Classification Criteria (2023). Collection method: clinical testing. Allele origin: unknown.
Comment: NM_000478.4(ALPL):c.661G>T(G221C) is a missense variant classified as likely pathogenic in the context of hypophosphatasia. G221C has been observed in cases with relevant disease (PMID: 29774402, 33191482). Relevant functional assessments of this variant are not available in the literature. Internal structural analysis of the variant is supportive of pathogenicity. G221C has been observed in referenced population frequency databases. In summary, NM_000478.4(ALPL):c.661G>T(G221C) is a missense variant that has internal structural support for pathogenicity and has been observed more frequently in cases with the relevant disease than in healthy populations. Please note: this variant was assessed in the context of healthy population screening.

Genomenon, Inc
Classification: Likely pathogenic for Hypophosphatasia. Last evaluated: 2025-08-29. Review status: criteria provided, single submitter. Criteria: Genomenon Sequence Variant Interpretation Standards. Collection method: curation. Allele origin: germline. Affected: yes.
Comment: ALPL c.661G>T is a missense variant that changes the amino acid at residue 221 from Glycine to Cysteine. This variant has been observed in at least one proband affected with hypophosphatasia (PMID:33191482;29774402). It is absent or not present at a significant frequency in gnomAD. In silico models agree that this variant is possibly or probably damaging. In conclusion, we classify ALPL p.Gly221Cys (c.661G>T) as a likely pathogenic variant.

Labcorp Genetics (formerly Invitae), Labcorp
Classification: Likely pathogenic. Last evaluated: 2022-07-05. Review status: criteria provided, single submitter. Criteria: Invitae Variant Classification Sherloc (09022015). Collection method: clinical testing. Allele origin: germline.
Comment: Advanced modeling of protein sequence and biophysical properties (such as structural, functional, and spatial information, amino acid conservation, physicochemical variation, residue mobility, and thermodynamic stability) performed at Invitae indicates that this missense variant is expected to disrupt ALPL protein function. In summary, the currently available evidence indicates that the variant is pathogenic, but additional data are needed to prove that conclusively. Therefore, this variant has been classified as Likely Pathogenic. This variant disrupts the p.Gly221 amino acid residue in ALPL. Other variant(s) that disrupt this residue have been determined to be pathogenic (PMID: 25731960, 28401263, 28580391). This suggests that this residue is clinically significant, and that variants that disrupt this residue are likely to be disease-causing. ClinVar contains an entry for this variant (Variation ID: 1035693). This missense change has been observed in individual(s) with clinical features of hypophosphatasia (PMID: 33191482). This variant is present in population databases (no rsID available, gnomAD 0.0009%). This sequence change replaces glycine, which is neutral and non-polar, with cysteine, which is neutral and slightly polar, at codon 221 of the ALPL protein (p.Gly221Cys).

Literature cited by the submitters: PubMed 29774402 (cited by Myriad Genetics, Inc. and Genomenon, Inc); PubMed 33191482 (cited by 3 submitters); PubMed 25731960 (cited by Labcorp Genetics (formerly Invitae), Labcorp); PubMed 28401263 (cited by Labcorp Genetics (formerly Invitae), Labcorp); PubMed 28580391 (cited by Labcorp Genetics (formerly Invitae), Labcorp).